The following is an entry in ClinVar:

ClinVar aggregate classification (germline): Uncertain significance (1 of 4 stars; one submission).

Submission:

Labcorp Genetics (formerly Invitae), Labcorp
Classification: Uncertain significance. Last evaluated: 2022-02-20. Review status: criteria provided, single submitter. Criteria: Invitae Variant Classification Sherloc (09022015). Collection method: clinical testing. Allele origin: germline.
Comment: In summary, the available evidence is currently insufficient to determine the role of this variant in disease. Therefore, it has been classified as a Variant of Uncertain Significance. Algorithms developed to predict the effect of missense changes on protein structure and function output the following: SIFT: "Deleterious"; PolyPhen-2: "Benign"; Align-GVGD: "Class C55". The threonine amino acid residue is found in multiple mammalian species, which suggests that this missense change does not adversely affect protein function. This variant has not been reported in the literature in individuals affected with NBAS-related conditions. This variant is not present in population databases (gnomAD no frequency). This sequence change replaces alanine, which is neutral and non-polar, with threonine, which is neutral and polar, at codon 9 of the NBAS protein (p.Ala9Thr).

NM_015909.4(NBAS):c.25G>A (p.Ala9Thr)

Genes: NBAS (NBAS subunit of NRZ tethering complex; minus strand), LOC129933155 (ATAC-STARR-seq lymphoblastoid active region 15346; plus strand). Cytogenetic location: 2p24.3.
Variant type: single nucleotide variant.
Coding change: c.25G>A on transcript NM_015909.4 (MANE Select); coding-DNA position 25, G replaced by A.
Protein change: p.Ala9Thr; replaces alanine 9 with threonine.
Molecular consequence: missense variant. On other transcripts: non-coding transcript variant (1).
Genome position (GRCh38, 1-based): chr2:15,561,280, C>T on the plus strand (G>A on the coding strand, the complement: NBAS is on the minus strand). VCF-style: chr2-15561280-C-T. GRCh37 (hg19) VCF-style: chr2-15701404-C-T.
Other names: short protein forms A9T.
Identifiers: ClinVar variation 2100493 (VCV002100493.4), dbSNP rs2528057004, ClinGen allele CA345895219.